The following is an entry in ClinVar:

NC_000005.9:g.(94877085_94877518)_(94886355_94890639)del

Gene: SKIC3 (SKI3 subunit of superkiller complex; minus strand). Cytogenetic location: 5q15.
Variant type: Deletion.
Identifiers: ClinVar variation 2429244 (VCV002429244.3).

ClinVar aggregate classification (germline): Likely pathogenic (1 of 4 stars; one submission).

Conditions:
Trichohepatoenteric syndrome. Also called: THE SYNDROME; Syndromic diarrhea; Tricho-hepato-enteric syndrome. Identifiers: Orphanet 84064, MedGen C1857276, MONDO:0009105.

Submission:

Women's Health and Genetics/Laboratory Corporation of America, LabCorp
Classification: Likely pathogenic for Trichohepatoenteric syndrome. Last evaluated: 2023-01-12. Review status: criteria provided, single submitter. Criteria: LabCorp Variant Classification Summary - May 2015. Collection method: clinical testing. Allele origin: germline.
Comment: Variant summary: The variant identified by MLPA or other technology involves the deletion of exons 2-6 in the TTC37 gene, encompassing the coding exons 4-6 and the initiation codon. A presumed nomenclature of c.(-228+1_-227-1)_(326+1_327-1)del has been designated for the purposes of this classification. Although exact breakpoints of this deletion are not known, it is expected to remove the initiation codon and is predicted to result either in absence of the protein or truncation of the encoded protein due to translation initiation at a downstream site. An alternative downstream in-frame start codon (Met229) is located in exon 10. An activation of this potential downstream translation initiation site would result in a shortened protein missing the first 228 amino acids from the protein sequence, resulting in a large deletion in the TTC37 gene, a known mechanism of disease. The variant was absent in 21694 control chromosomes (gnomAD, Structural Variants dataset). To our knowledge, no occurrence of c.(-228+1_-227-1)_(326+1_327-1)del in individuals affected with Trichohepatoenteric Syndrome and no experimental evidence demonstrating its impact on protein function have been reported. No clinical diagnostic laboratories have submitted clinical-significance assessments for this variant to ClinVar after 2014. However, one ClinVar submitter (evaluation after 2014) cites a gross deletion of the genomic region encompassing coding exons 4-6 as pathogenic (Variation ID: 1458865). Based on the evidence outlined above, the variant was classified as likely pathogenic.